The following is an entry in ClinVar:

NM_001042492.3(NF1):c.7162T>G (p.Phe2388Val)

Gene: NF1 (neurofibromin 1; plus strand). Cytogenetic location: 17q11.2.
Variant type: single nucleotide variant.
Coding change: c.7162T>G on transcript NM_001042492.3 (MANE Select); coding-DNA position 7162, T replaced by G.
Protein change: p.Phe2388Val; replaces phenylalanine 2388 with valine.
Molecular consequence: missense variant.
Genome position (GRCh38, 1-based): chr17:31,343,108, T>G. VCF-style: chr17-31343108-T-G. GRCh37 (hg19) VCF-style: chr17-29670126-T-G.
Other names: c.7099T>G, p.Phe2367Val (NM_000267.4); short protein forms F2367V, F2388V.
Identifiers: ClinVar variation 2503322 (VCV002503322.3), dbSNP rs1425642121, ClinGen allele CA399015731.

ClinVar aggregate classification (germline): Uncertain significance. Review status: criteria provided, multiple submitters, no conflicts (2 of 4 stars). 3 submissions from 3 submitters: Uncertain significance (3). Last evaluated 2026-01-13.

Conditions:
Juvenile myelomonocytic leukemia (JMML). Also called: LEUKEMIA, JUVENILE MYELOMONOCYTIC, SOMATIC. Identifiers: Orphanet 86834, MedGen C0349639, MONDO:0011908, OMIM 607785, HP:0012209.
Neurofibromatosis, type 1 (NF1). Also called: Peripheral type neurofibromatosis; Neurofibromatosis, type I; VON RECKLINGHAUSEN DISEASE; NEUROFIBROMATOSIS, TYPE I, SOMATIC. Identifiers: Orphanet 636, MedGen C0027831, MONDO:0018975, OMIM 162200. Disease mechanism: loss of function.

Submissions (3):

Labcorp Genetics (formerly Invitae), Labcorp
Classification: Uncertain significance for Neurofibromatosis, type 1. Last evaluated: 2026-01-13. Review status: criteria provided, single submitter. Criteria: Invitae Variant Classification Sherloc (09022015). Collection method: clinical testing. Allele origin: germline.
Comment: This sequence change replaces phenylalanine, which is neutral and non-polar, with valine, which is neutral and non-polar, at codon 2367 of the NF1 protein (p.Phe2367Val). This variant is not present in population databases (gnomAD no frequency). This variant has not been reported in the literature in individuals affected with NF1-related conditions. ClinVar contains an entry for this variant (Variation ID: 2503322). Invitae Evidence Modeling of protein sequence and biophysical properties (such as structural, functional, and spatial information, amino acid conservation, physicochemical variation, residue mobility, and thermodynamic stability) indicates that this missense variant is expected to disrupt NF1 protein function with a positive predictive value of 95%. In summary, the available evidence is currently insufficient to determine the role of this variant in disease. Therefore, it has been classified as a Variant of Uncertain Significance.

Baylor Genetics
Classification: Uncertain significance for Juvenile myelomonocytic leukemia. Last evaluated: 2023-09-09. Review status: criteria provided, single submitter. Criteria: ACMG Guidelines, 2015. Collection method: clinical testing. Allele origin: unknown.

GeneDx
Classification: Uncertain significance. Last evaluated: 2022-11-23. Review status: criteria provided, single submitter. Criteria: GeneDx Variant Classification Process June 2021. Collection method: clinical testing. Allele origin: germline. Affected: yes.
Comment: Not observed at significant frequency in large population cohorts (gnomAD); In silico analysis supports that this missense variant has a deleterious effect on protein structure/function; Has not been previously published as pathogenic or benign to our knowledge; This variant is associated with the following publications: (PMID: 25486365)